The following is an entry in ClinVar:

ClinVar aggregate classification (germline): Uncertain significance (1 of 4 stars; one submission).

Conditions:
Hereditary spastic paraplegia 57. Also called: Spastic paraplegia 57, autosomal recessive. Identifiers: Orphanet 431329, MedGen C3714897, MONDO:0014295, OMIM 615658.
Hereditary motor and sensory neuropathy, Okinawa type (HMSNO). Also called: HEREDITARY MOTOR AND SENSORY NEUROPATHY, PROXIMAL TYPE. Identifiers: Orphanet 90117, MedGen C1858338, MONDO:0011468, OMIM 604484.

Allele frequency attached by ClinVar (database versions not stated): TOPMed below 0.00001.

Submission:

Labcorp Genetics (formerly Invitae), Labcorp
Classification: Uncertain significance for Hereditary motor and sensory neuropathy, Okinawa type; Hereditary spastic paraplegia 57. Last evaluated: 2021-02-03. Review status: criteria provided, single submitter. Criteria: Invitae Variant Classification Sherloc (09022015). Collection method: clinical testing. Allele origin: germline.
Comment: In summary, the available evidence is currently insufficient to determine the role of this variant in disease. Therefore, it has been classified as a Variant of Uncertain Significance. Algorithms developed to predict the effect of missense changes on protein structure and function (SIFT, PolyPhen-2, Align-GVGD) all suggest that this variant is likely to be tolerated, but these predictions have not been confirmed by published functional studies and their clinical significance is uncertain. This variant has not been reported in the literature in individuals with TFG-related conditions. This variant is not present in population databases (ExAC no frequency). This sequence change replaces proline with serine at codon 374 of the TFG protein (p.Pro374Ser). The proline residue is highly conserved and there is a moderate physicochemical difference between proline and serine.

NM_006070.6(TFG):c.1120C>T (p.Pro374Ser)

Gene: TFG (trafficking from ER to golgi regulator; plus strand). Cytogenetic location: 3q12.2.
Variant type: single nucleotide variant.
Coding change: c.1120C>T on transcript NM_006070.6 (MANE Select); coding-DNA position 1120, C replaced by T.
Protein change: p.Pro374Ser; replaces proline 374 with serine.
Molecular consequence: missense variant.
Genome position (GRCh38, 1-based): chr3:100,748,448, C>T. VCF-style: chr3-100748448-C-T. GRCh37 (hg19) VCF-style: chr3-100467292-C-T.
Other names: c.1120C>T, p.Pro374Ser (NM_001007565.2, NM_001195478.2); c.1108C>T, p.Pro370Ser (NM_001195479.2); short protein forms P370S, P374S.
Identifiers: ClinVar variation 1369233 (VCV001369233.8), dbSNP rs781504257, ClinGen allele CA353854511.